The following is an entry in ClinVar:

ClinVar aggregate classification (germline): Uncertain significance (1 of 4 stars; one submission).

Conditions:
Progressive myoclonic epilepsy. Also called: Familial progressive myoclonic epilepsy; Myoclonic Epilepsies, Progressive; Progressive myoclonus epilepsy; Myoclonus epilepsy. Identifiers: Orphanet 308, Orphanet 98261, MedGen C0751778, MONDO:0020074.

Allele frequency attached by ClinVar (database versions not stated): TOPMed below 0.00001; gnomAD 0.00001.
gnomAD v4.1: 1 of 1,528,470 alleles (0.000065%); highest among the groups gnomAD compares: Non-Finnish European, 0.000088%; no homozygotes.

Submission:

Labcorp Genetics (formerly Invitae), Labcorp
Classification: Uncertain significance for Progressive myoclonic epilepsy. Last evaluated: 2021-11-23. Review status: criteria provided, single submitter. Criteria: Invitae Variant Classification Sherloc (09022015). Collection method: clinical testing. Allele origin: germline.
Comment: In summary, the available evidence is currently insufficient to determine the role of this variant in disease. Therefore, it has been classified as a Variant of Uncertain Significance. Algorithms developed to predict the effect of missense changes on protein structure and function (SIFT, PolyPhen-2, Align-GVGD) all suggest that this variant is likely to be tolerated. This variant has not been reported in the literature in individuals affected with CSTB-related conditions. This variant is not present in population databases (gnomAD no frequency). This sequence change replaces proline, which is neutral and non-polar, with alanine, which is neutral and non-polar, at codon 6 of the CSTB protein (p.Pro6Ala).

NM_000100.4(CSTB):c.16C>G (p.Pro6Ala)

Genes: CSTB (cystatin B; minus strand), LOC130066788 (ATAC-STARR-seq lymphoblastoid silent region 13368; plus strand). Cytogenetic location: 21q22.3.
Variant type: single nucleotide variant.
Coding change: c.16C>G on transcript NM_000100.4 (MANE Select); coding-DNA position 16, C replaced by G.
Protein change: p.Pro6Ala; replaces proline 6 with alanine.
Molecular consequence: missense variant.
Genome position (GRCh38, 1-based): chr21:43,776,254, G>C on the plus strand (C>G on the coding strand, the complement: CSTB is on the minus strand). VCF-style: chr21-43776254-G-C. GRCh37 (hg19) VCF-style: chr21-45196135-G-C.
Other names: short protein forms P6A.
Identifiers: ClinVar variation 1380284 (VCV001380284.6), dbSNP rs1236504207, ClinGen allele CA410408692.